The following is an entry in ClinVar:

NM_001303.4(COX10):c.637C>T (p.Pro213Ser)

Gene: COX10 (cytochrome c oxidase assembly factor heme A:farnesyltransferase COX10; plus strand). Cytogenetic location: 17p12.
Variant type: single nucleotide variant.
Coding change: c.637C>T on transcript NM_001303.4 (MANE Select); coding-DNA position 637, C replaced by T.
Protein change: p.Pro213Ser; replaces proline 213 with serine.
Molecular consequence: missense variant.
Genome position (GRCh38, 1-based): chr17:14,159,889, C>T. VCF-style: chr17-14159889-C-T. GRCh37 (hg19) VCF-style: chr17-14063206-C-T.
Other names: short protein forms P213S.
Identifiers: ClinVar variation 1030368 (VCV001030368.3), dbSNP rs1597527929, ClinGen allele CA398250318.

ClinVar aggregate classification (germline): Uncertain significance (1 of 4 stars; one submission).

Conditions:
Mitochondrial complex IV deficiency, nuclear type 1 (MC4DN1). Also called: Mitochondrial complex IV deficiency; Complex 4 mitochondrial respiratory chain deficiency; Deficiency of mitochondrial respiratory chain complex4; Complex IV deficiency; COX DEFICIENCY. Identifiers: MedGen C5435656, MONDO:0700250, OMIM 220110. Disease mechanism: loss of function.

Submissions (2):

Baylor Genetics
Classification: Uncertain significance for Mitochondrial complex IV deficiency, nuclear type 1. Last evaluated: 2020-02-07. Review status: criteria provided, single submitter. Criteria: ACMG Guidelines, 2015. Collection method: clinical testing. Allele origin: unknown. Affected: yes.
Comment: This variant was determined to be of uncertain significance according to ACMG Guidelines, 2015 [PMID:25741868].

Johnston Lab, North Central College
No classification provided (evidence only). Review status: no classification provided. Collection method: in vitro. Allele origin: not applicable. Functional consequence: loss_of_function_variant. Not counted in ClinVar's aggregate classification.
ClinVar note: "not provided" was previously submitted as the classification for the variant. However, the classification appeared to be based only on an observation of functional data so it was converted to no classification on 2025-07-30.